The following is an entry in ClinVar:

ClinVar aggregate classification (germline): Uncertain significance (1 of 4 stars; one submission).

Conditions:
Epileptic encephalopathy. Identifiers: MedGen C0543888, HP:0200134.

Allele frequency attached by ClinVar (database versions not stated): gnomAD 0.00001; TOPMed 0.00001; gnomAD exomes 0.00002 and 0.00004; ExAC 0.00005; ESP Exome Variant Server 0.00008.
gnomAD v4.1: 64 of 1,613,176 alleles (0.004%); highest among the groups gnomAD compares: East Asian, 0.1%; no homozygotes.

Submission:

Labcorp Genetics (formerly Invitae), Labcorp
Classification: Uncertain significance for Epileptic encephalopathy. Last evaluated: 2019-08-20. Review status: criteria provided, single submitter. Criteria: Invitae Variant Classification Sherloc (09022015). Collection method: clinical testing. Allele origin: germline.
Comment: In summary, the available evidence is currently insufficient to determine the role of this variant in disease. Therefore, it has been classified as a Variant of Uncertain Significance. Algorithms developed to predict the effect of missense changes on protein structure and function are either unavailable or do not agree on the potential impact of this missense change (SIFT: "Deleterious"; PolyPhen-2: "Probably Damaging"; Align-GVGD: "Class C15"). This variant has not been reported in the literature in individuals with RYR3-related conditions. This variant is present in population databases (rs373688734, ExAC 0.05%). This sequence change replaces aspartic acid with asparagine at codon 1117 of the RYR3 protein (p.Asp1117Asn). The aspartic acid residue is highly conserved and there is a small physicochemical difference between aspartic acid and asparagine.

NM_001036.6(RYR3):c.3349G>A (p.Asp1117Asn)

Gene: RYR3 (ryanodine receptor 3; plus strand). Cytogenetic location: 15q14.
Variant type: single nucleotide variant.
Coding change: c.3349G>A on transcript NM_001036.6 (MANE Select); coding-DNA position 3349, G replaced by A.
Protein change: p.Asp1117Asn; replaces aspartic acid 1117 with asparagine.
Molecular consequence: missense variant.
Genome position (GRCh38, 1-based): chr15:33,635,787, G>A. VCF-style: chr15-33635787-G-A. GRCh37 (hg19) VCF-style: chr15-33927988-G-A.
Other names: c.3349G>A, p.Asp1117Asn (NM_001243996.4); short protein forms D1117N.
Identifiers: ClinVar variation 935960 (VCV000935960.9), dbSNP rs373688734, ClinGen allele CA7458665.